The following is an entry in ClinVar:

NM_014000.3(VCL):c.2806G>C (p.Ala936Pro)

Gene: VCL (vinculin; plus strand). Cytogenetic location: 10q22.2.
Variant type: single nucleotide variant.
Coding change: c.2806G>C on transcript NM_014000.3 (MANE Select); coding-DNA position 2806, G replaced by C.
Protein change: p.Ala936Pro; replaces alanine 936 with proline.
Molecular consequence: missense variant. On other transcripts: intron variant (1).
Genome position (GRCh38, 1-based): chr10:74,111,969, G>C. VCF-style: chr10-74111969-G-C. GRCh37 (hg19) VCF-style: chr10-75871727-G-C.
Other names: c.2746-2215G>C (NM_003373.4); short protein forms A936P.
Identifiers: ClinVar variation 968370 (VCV000968370.8), dbSNP rs1361057797, ClinGen allele CA377264639.

ClinVar aggregate classification (germline): Uncertain significance (1 of 4 stars; one submission).

Conditions:
Dilated cardiomyopathy 1W (CMD1W). Identifiers: Orphanet 154, MedGen C1969639, MONDO:0012667, OMIM 611407.

Allele frequency attached by ClinVar (database versions not stated): gnomAD exomes below 0.00001.
gnomAD v4.1: 3 of 1,614,208 alleles (0.00019%); highest among the groups gnomAD compares: African/African-American, 0.004%; no homozygotes.

Submission:

Labcorp Genetics (formerly Invitae), Labcorp
Classification: Uncertain significance for Dilated cardiomyopathy 1W. Last evaluated: 2024-03-18. Review status: criteria provided, single submitter. Criteria: Invitae Variant Classification Sherloc (09022015). Collection method: clinical testing. Allele origin: germline.
Comment: This sequence change replaces alanine, which is neutral and non-polar, with proline, which is neutral and non-polar, at codon 936 of the VCL protein (p.Ala936Pro). This variant is present in population databases (no rsID available, gnomAD 0.007%). This variant has not been reported in the literature in individuals affected with VCL-related conditions. ClinVar contains an entry for this variant (Variation ID: 968370). An algorithm developed to predict the effect of missense changes on protein structure and function (PolyPhen-2) suggests that this variant is likely to be tolerated. In summary, the available evidence is currently insufficient to determine the role of this variant in disease. Therefore, it has been classified as a Variant of Uncertain Significance.